The following is an entry in ClinVar:

NM_015602.4(TOR1AIP1):c.895A>G (p.Thr299Ala)

Gene: TOR1AIP1 (torsin 1A interacting protein 1; plus strand). Cytogenetic location: 1q25.2.
Variant type: single nucleotide variant.
Coding change: c.895A>G on transcript NM_015602.4 (MANE Select); coding-DNA position 895, A replaced by G.
Protein change: p.Thr299Ala; replaces threonine 299 with alanine.
Molecular consequence: missense variant.
Genome position (GRCh38, 1-based): chr1:179,908,661, A>G. VCF-style: chr1-179908661-A-G. GRCh37 (hg19) VCF-style: chr1-179877796-A-G.
Other names: c.898A>G, p.Thr300Ala (NM_001267578.2); short protein forms T299A, T300A.
Identifiers: ClinVar variation 1994127 (VCV001994127.4), dbSNP rs2526627275, ClinGen allele CA343569207.

ClinVar aggregate classification (germline): Uncertain significance (1 of 4 stars; one submission).

Conditions:
Autosomal recessive limb-girdle muscular dystrophy type 2Y (MRRSDC). Also called: Muscular dystrophy, autosomal recessive, with rigid spine and distal joint contractures; Muscular dystrophy, limb-girdle, type 2y. Identifiers: Orphanet 424261, MedGen C4511482, MONDO:0014900, OMIM 617072.

Submission:

Labcorp Genetics (formerly Invitae), Labcorp
Classification: Uncertain significance for Autosomal recessive limb-girdle muscular dystrophy type 2Y. Last evaluated: 2022-05-13. Review status: criteria provided, single submitter. Criteria: Invitae Variant Classification Sherloc (09022015). Collection method: clinical testing. Allele origin: germline.
Comment: In summary, the available evidence is currently insufficient to determine the role of this variant in disease. Therefore, it has been classified as a Variant of Uncertain Significance. Algorithms developed to predict the effect of missense changes on protein structure and function output the following: SIFT: "Tolerated"; PolyPhen-2: "Benign"; Align-GVGD: "Class C0". The alanine amino acid residue is found in multiple mammalian species, which suggests that this missense change does not adversely affect protein function. This variant has not been reported in the literature in individuals affected with TOR1AIP1-related conditions. This variant is not present in population databases (gnomAD no frequency). This sequence change replaces threonine, which is neutral and polar, with alanine, which is neutral and non-polar, at codon 300 of the TOR1AIP1 protein (p.Thr300Ala).